The following is an entry in ClinVar:

ClinVar aggregate classification (germline): Pathogenic (1 of 4 stars; one submission).

Conditions:
Intellectual developmental disorder, autosomal recessive 68. Also called: MENTAL RETARDATION, AUTOSOMAL RECESSIVE 68. Identifiers: MedGen C4749033, MONDO:0032665, OMIM 618302.

Submission:

Women's Health and Genetics/Laboratory Corporation of America, LabCorp
Classification: Pathogenic for Intellectual developmental disorder, autosomal recessive 68. Last evaluated: 2024-01-12. Review status: criteria provided, single submitter. Criteria: LabCorp Variant Classification Summary - May 2015. Collection method: clinical testing. Allele origin: germline.
Comment: Variant summary: TRMT1 c.1639G>T (p.Gly547X) results in a premature termination codon, predicted to cause a truncation of the encoded protein or absence of the protein due to nonsense mediated decay, which are commonly known mechanisms for disease. The variant was absent in 251084 control chromosomes. To our knowledge, no occurrence of c.1639G>T in individuals affected with Intellectual Developmental Disorder, Autosomal Recessive 68 and no experimental evidence demonstrating its impact on protein function have been reported. No submitters have cited clinical-significance assessments for this variant to ClinVar. Based on the evidence outlined above, the variant was classified as pathogenic.

NM_001136035.4(TRMT1):c.1639G>T (p.Gly547Ter)

Gene: TRMT1 (tRNA methyltransferase 1; minus strand). Cytogenetic location: 19p13.13.
Variant type: single nucleotide variant.
Coding change: c.1639G>T on transcript NM_001136035.4 (MANE Select); coding-DNA position 1639, G replaced by T.
Protein change: p.Gly547Ter; replaces glycine 547 with a stop codon.
Molecular consequence: nonsense.
Genome position (GRCh38, 1-based): chr19:13,105,551, C>A on the plus strand (G>T on the coding strand, the complement: TRMT1 is on the minus strand). VCF-style: chr19-13105551-C-A. GRCh37 (hg19) VCF-style: chr19-13216365-C-A.
Other names: c.1552G>T, p.Gly518Ter (NM_001142554.3, NM_001351760.2); c.1531G>T, p.Gly511Ter (NM_001351761.2); c.856G>T, p.Gly286Ter (NM_001351762.2); c.1639G>T, p.Gly547Ter (NM_017722.5); short protein forms G286*, G511*, G518*, G547*.
Identifiers: ClinVar variation 3063891 (VCV003063891.1), dbSNP rs2513068920, ClinGen allele CA404306534.